The following is an entry in ClinVar:

ClinVar aggregate classification (germline): Conflicting classifications of pathogenicity. Review status: criteria provided, conflicting classifications (1 of 4 stars). 3 submissions from 2 submitters: Uncertain significance (2); Likely benign (1). Last evaluated 2025-08-11.

Conditions:
Lethal arthrogryposis-anterior horn cell disease syndrome (CAAHD). Also called: CONGENITAL ARTHROGRYPOSIS WITH ANTERIOR HORN CELL DISEASE. Identifiers: Orphanet 53696, MedGen C5193016, MONDO:0012750, OMIM 611890.
GLE1-related disorder. Also called: GLE1-related disorders; GLE1-related condition.
Lethal congenital contracture syndrome 1 (LCCS1). Also called: MULTIPLE CONTRACTURE SYNDROME, FINNISH TYPE. Identifiers: Orphanet 1486, MedGen C1854664, MONDO:0009670, OMIM 253310.

Allele frequency attached by ClinVar (database versions not stated): gnomAD 0.00001 and 0.00002; TOPMed 0.00003; ESP Exome Variant Server 0.00015; 1000 Genomes Project 30x 0.00016; 1000 Genomes Project 0.00020.
gnomAD v4.1: 68 of 1,614,158 alleles (0.0042%); highest among the groups gnomAD compares: East Asian, 0.0089%; no homozygotes.

Submissions (3):

PreventionGenetics, part of Exact Sciences
Classification: Likely benign for GLE1-related condition. Last evaluated: 2025-08-11. Review status: criteria provided, single submitter. Criteria: ACMG Guidelines, 2015. Collection method: clinical testing. Allele origin: germline.
Comment: This variant is classified as likely benign based on ACMG/AMP sequence variant interpretation guidelines (Richards et al. 2015 PMID: 25741868, with internal and published modifications).

Illumina Laboratory Services, Illumina
Classification: Uncertain significance for Lethal arthrogryposis-anterior horn cell disease syndrome. Last evaluated: 2018-01-13. Review status: criteria provided, single submitter. Criteria: ICSL Variant Classification Criteria 13 December 2019. Collection method: clinical testing. Allele origin: germline.

Illumina Laboratory Services, Illumina
Classification: Uncertain significance for Lethal congenital contracture syndrome 1. Last evaluated: 2018-01-13. Review status: criteria provided, single submitter. Criteria: ICSL Variant Classification Criteria 13 December 2019. Collection method: clinical testing. Allele origin: germline.

NM_001003722.2(GLE1):c.1431A>G (p.Gln477=)

Genes: GLE1 (GLE1 RNA export mediator; plus strand), LOC101929270 (uncharacterized LOC101929270; minus strand). Cytogenetic location: 9q34.11.
Variant type: single nucleotide variant.
Coding change: c.1431A>G on transcript NM_001003722.2 (MANE Select); coding-DNA position 1431, A replaced by G.
Protein change: p.Gln477=; no amino-acid change (glutamine 477 retained).
Molecular consequence: synonymous variant.
Genome position (GRCh38, 1-based): chr9:128,533,631, A>G. VCF-style: chr9-128533631-A-G. GRCh37 (hg19) VCF-style: chr9-131295910-A-G.
Other names: c.1431A>G, p.Gln477= (NM_001499.2).
Identifiers: ClinVar variation 914005 (VCV000914005.5), dbSNP rs149283351, ClinGen allele CA5263858.